The following is an entry in ClinVar:

ClinVar aggregate classification (germline): Uncertain significance (1 of 4 stars; one submission).

Conditions:
Inborn genetic diseases. Identifiers: MedGen C0950123, MeSH D030342.

Submission:

Ambry Genetics
Classification: Uncertain significance for Inborn genetic diseases. Last evaluated: 2025-03-05. Review status: criteria provided, single submitter. Criteria: Ambry Variant Classification Scheme 2023. Collection method: clinical testing. Allele origin: germline.
Comment: The p.M899I variant (also known as c.2697G>C), located in coding exon 11 of the MECOM gene, results from a G to C substitution at nucleotide position 2697. The methionine at codon 899 is replaced by isoleucine, an amino acid with highly similar properties. This amino acid position is conserved. In addition, this alteration is predicted to be tolerated by in silico analysis. Based on the available evidence, the clinical significance of this variant remains unclear.

NM_004991.4(MECOM):c.2697G>C (p.Met899Ile)

Gene: MECOM (MDS1 and EVI1 complex locus; minus strand). Cytogenetic location: 3q26.2.
Variant type: single nucleotide variant.
Coding change: c.2697G>C on transcript NM_004991.4 (MANE Select); coding-DNA position 2697, G replaced by C.
Protein change: p.Met899Ile; replaces methionine 899 with isoleucine.
Molecular consequence: missense variant.
Genome position (GRCh38, 1-based): chr3:169,102,134, C>G on the plus strand (G>C on the coding strand, the complement: MECOM is on the minus strand). VCF-style: chr3-169102134-C-G. GRCh37 (hg19) VCF-style: chr3-168819922-C-G.
Other names: c.2328G>C, p.Met776Ile (NM_001105077.4); c.2133G>C, p.Met711Ile (NM_001105078.4, NM_001205194.2, NM_001366469.2 and 1 more transcripts); c.2109G>C, p.Met703Ile (NM_001163999.2, NM_001366470.2); c.2106G>C, p.Met702Ile (NM_001164000.2, NM_001366471.2, NM_001366472.2); c.2670G>C, p.Met890Ile (NM_001366466.2); c.2136G>C, p.Met712Ile (NM_001366467.2, NM_001366468.2); c.1698G>C, p.Met566Ile (NM_001366473.2); c.1134G>C, p.Met378Ile (NM_001366474.2); short protein forms M712I, M378I, M566I, M899I, M711I, M702I, M703I, M776I.
Identifiers: ClinVar variation 3871882 (VCV003871882.1).